The following is an entry in ClinVar:

NM_206937.2(LIG4):c.*3del

Gene: LIG4 (DNA ligase 4; minus strand). Cytogenetic location: 13q33.3.
Variant type: Deletion.
Coding change: c.*3del on transcript NM_206937.2 (MANE Select); 3 bases downstream of the stop codon, one base deleted (C; older notation c.*3delC).
Molecular consequence: 3 prime UTR variant.
Genome position (GRCh38, 1-based): chr13:108,208,530, G deleted on the plus strand (C on the coding strand, the reverse complement: LIG4 is on the minus strand). VCF-style (leftmost placement, unchanged base first): chr13-108208529-AG-A. GRCh37 (hg19) VCF-style: chr13-108860877-AG-A.
Other names: c.*3del (NM_001098268.2, NM_001330595.2, NM_001352598.2 and 8 more transcripts); c.*3delC (NM_002312.3).
Identifiers: ClinVar variation 465278 (VCV000465278.39), dbSNP rs551263548, ClinGen allele CA7043434.

ClinVar aggregate classification (germline): Benign/Likely benign. Review status: criteria provided, multiple submitters, no conflicts (2 of 4 stars). 7 submissions from 7 submitters: Benign (4); Likely benign (2). 1 of the submissions does not count toward it. Last evaluated 2026-08-01.

Conditions:
LIG4-related disorder. Also called: LIG4-related disorders; LIG4-related condition. Identifiers: MedGen CN239380.
DNA ligase IV deficiency. Identifiers: Orphanet 99812, MedGen C1847827, MONDO:0011686, OMIM 606593.

Allele frequency attached by ClinVar (database versions not stated): 1000 Genomes Project 0.00220; TOPMed 0.00476; ESP Exome Variant Server 0.00480; gnomAD exomes 0.00521 and 0.00565; gnomAD 0.00543 and 0.00602; ExAC 0.00717.

Submissions (7):

CeGaT Center for Human Genetics Tuebingen
Classification: Likely benign. Last evaluated: 2026-08-01. Review status: criteria provided, single submitter. Criteria: CeGaT Center For Human Genetics Tuebingen Variant Classification Criteria Version 2. Collection method: clinical testing. Allele origin: germline. Affected: yes. Observed: 52 variant alleles.
Comment: LIG4: BS2

Women's Health and Genetics/Laboratory Corporation of America, LabCorp
Classification: Benign. Last evaluated: 2026-02-11. Review status: criteria provided, single submitter. Criteria: LabCorp Variant Classification Summary - May 2015. Collection method: clinical testing. Allele origin: germline.
Comment: Variant summary: LIG4 c.*3delC is located in the untranslated mRNA region downstream of the termination codon. The variant allele was found at a frequency of 0.0056 in 246836 control chromosomes in the gnomAD database, including 8 homozygotes. The observed variant frequency exceeds the estimated maximal expected allele frequency for disease-causing variants in LIG4. c.*3delC has been observed in the heterozygous state at least one individual affected with DNA ligase IV deficiency without strong evidence for causality (e.g., Sharapova_2016). These report(s) do not provide unequivocal conclusions about association of the variant with DNA ligase IV deficiency. To our knowledge, no experimental evidence demonstrating an impact on protein function has been reported. The following publication has been ascertained in the context of this evaluation (PMID: 26774591). ClinVar contains an entry for this variant (Variation ID: 465278). Based on the evidence outlined above, the variant was classified as benign.

Labcorp Genetics (formerly Invitae), Labcorp
Classification: Benign for DNA ligase IV deficiency. Last evaluated: 2026-01-12. Review status: criteria provided, single submitter. Criteria: Invitae Variant Classification Sherloc (09022015). Collection method: clinical testing. Allele origin: germline.

Blueprint Genetics
Classification: Likely benign. Last evaluated: 2024-11-26. Review status: criteria provided, single submitter. Criteria: ACMG Guidelines, 2015. Collection method: clinical testing. Allele origin: germline.

Mayo Clinic Laboratories, Mayo Clinic
Classification: Benign. Last evaluated: 2020-09-15. Review status: criteria provided, single submitter. Criteria: ACMG Guidelines, 2015. Collection method: clinical testing. Allele origin: germline. Observed: 7 variant alleles.

GeneDx
Classification: Benign. Last evaluated: 2019-01-17. Review status: criteria provided, single submitter. Criteria: GeneDx Variant Classification Process June 2021. Collection method: clinical testing. Allele origin: germline. Affected: yes.
Comment: This variant is associated with the following publications: (PMID: 26774591)

PreventionGenetics, part of Exact Sciences
Classification: Benign for LIG4-related condition. Last evaluated: 2019-09-13. Review status: no assertion criteria provided. Collection method: clinical testing. Allele origin: germline. Not counted in ClinVar's aggregate classification.
Comment: This variant is classified as benign based on ACMG/AMP sequence variant interpretation guidelines (Richards et al. 2015 PMID: 25741868, with internal and published modifications).

Literature cited by the submitters: PubMed 26774591 (cited by Women's Health and Genetics/Laboratory Corporation of America, LabCorp).